The following is an entry in ClinVar:

NM_001371928.1(AHDC1):c.1509C>A (p.Ser503Arg)

Gene: AHDC1 (AT-hook DNA binding motif containing 1; minus strand). Cytogenetic location: 1p36.11.
Variant type: single nucleotide variant.
Coding change: c.1509C>A on transcript NM_001371928.1 (MANE Select); coding-DNA position 1509, C replaced by A.
Protein change: p.Ser503Arg; replaces serine 503 with arginine.
Molecular consequence: missense variant.
Genome position (GRCh38, 1-based): chr1:27,550,607, G>T on the plus strand (C>A on the coding strand, the complement: AHDC1 is on the minus strand). VCF-style: chr1-27550607-G-T. GRCh37 (hg19) VCF-style: chr1-27877118-G-T.
Other names: c.1509C>A, p.Ser503Arg (NM_001029882.3); short protein forms S503R.
Identifiers: ClinVar variation 3362309 (VCV003362309.3).

ClinVar aggregate classification (germline): Uncertain significance (1 of 4 stars; one submission).

Conditions:
AHDC1-related intellectual disability - obstructive sleep apnea - mild dysmorphism syndrome. Also called: Xia-Gibbs syndrome. Identifiers: Orphanet 412069, MedGen C4014419, MONDO:0014358, OMIM 615829.

Submission:

Neuberg Centre For Genomic Medicine, NCGM
Classification: Uncertain significance for AHDC1-related intellectual disability - obstructive sleep apnea - mild dysmorphism syndrome. Last evaluated: 2023-06-02. Review status: criteria provided, single submitter. Criteria: ACMG Guidelines, 2015. Collection method: clinical testing. Allele origin: germline. Inheritance: Autosomal dominant inheritance. Affected: yes.
Comment: The missense variant c.1509C>A(p.Ser503Arg) in the AHDC1 gene has not been reported previously as a pathogenic variant nor as a benign variant, to our knowledge. This variant is absent in the gnomAD Exomes. The amino acid Ser at position 503 is changed to a Arg changing protein sequence and it might alter its composition and physico-chemical properties. Multiple lines of computational evidence (Polyphen - Damaging, SIFT - Damaging) predict a damaging effect on protein structure and function for this variant. For these reasons, this variant has been classified as Uncertain Significance.